The following is an entry in ClinVar:

NM_004370.6(COL12A1):c.2159AAG[1] (p.Glu721del)

Gene: COL12A1 (collagen type XII alpha 1 chain; minus strand). Cytogenetic location: 6q13.
Variant type: Microsatellite.
Coding change: c.2159AAG[1] on transcript NM_004370.6 (MANE Select); one copy of the 3-base unit AAG starting at c.2159; the reference has two copies in a row; one copy, 3 bases deleted.
Protein change: p.Glu721del; deletes glutamic acid 721.
Molecular consequence: intron variant (on NM_001424116.1).
Genome position (GRCh38, 1-based): chr6:75,180,939-75,180,941, CTT deleted on the plus strand (AAG on the coding strand, the reverse complement: COL12A1 is on the minus strand); deleting any 3 consecutive bases within chr6:75,180,939-75,180,945 gives the same sequence; the position shown is the placement nearest the transcript's 3' end. VCF-style (leftmost placement, unchanged base first): chr6-75180938-CCTT-C. GRCh37 (hg19) VCF-style: chr6-75890654-CCTT-C.
Other names: c.2159AAG[1], p.Glu721del (NM_001424113.1, NM_001424114.1, NM_001424115.1); c.73+21779_73+21781del (NM_001424116.1, NM_080645.3); short protein forms E721del.
Identifiers: ClinVar variation 4793961 (VCV004793961.1).

ClinVar aggregate classification (germline): Uncertain significance (1 of 4 stars; one submission).

Conditions:
Ullrich congenital muscular dystrophy 2 (UCMD2). Identifiers: Orphanet 75840, MedGen C4225314, MONDO:0014654, OMIM 616470.
Bethlem myopathy 2 (BTHLM2). Identifiers: Orphanet 536516, Orphanet 610, MedGen C4225313, MONDO:0034022, OMIM 616471.

Submission:

Labcorp Genetics (formerly Invitae), Labcorp
Classification: Uncertain significance for Bethlem myopathy 2; Ullrich congenital muscular dystrophy 2. Last evaluated: 2025-01-26. Review status: criteria provided, single submitter. Criteria: Invitae Variant Classification Sherloc (09022015). Collection method: clinical testing. Allele origin: germline.
Comment: This variant, c.2162_2164del, results in the deletion of 1 amino acid(s) of the COL12A1 protein (p.Glu721del), but otherwise preserves the integrity of the reading frame. This variant is not present in population databases (gnomAD no frequency). This variant has not been reported in the literature in individuals affected with COL12A1-related conditions. Experimental studies and prediction algorithms are not available or were not evaluated, and the functional significance of this variant is currently unknown. Algorithms developed to predict the effect of sequence changes on RNA splicing suggest that this variant may disrupt the consensus splice site. In summary, the available evidence is currently insufficient to determine the role of this variant in disease. Therefore, it has been classified as a Variant of Uncertain Significance.